The following is an entry in ClinVar:

ClinVar aggregate classification (germline): Uncertain significance (1 of 4 stars; one submission).

gnomAD v4.1: 4 of 1,613,966 alleles (0.00025%); highest among the groups gnomAD compares: Non-Finnish European, 0.00034%; no homozygotes.

Submission:

Labcorp Genetics (formerly Invitae), Labcorp
Classification: Uncertain significance. Last evaluated: 2025-09-05. Review status: criteria provided, single submitter. Criteria: Invitae Variant Classification Sherloc (09022015). Collection method: clinical testing. Allele origin: germline.
Comment: This sequence change replaces threonine, which is neutral and polar, with alanine, which is neutral and non-polar, at codon 952 of the CSF1R protein (p.Thr952Ala). This variant is not present in population databases (gnomAD no frequency). This variant has not been reported in the literature in individuals affected with CSF1R-related conditions. Invitae Evidence Modeling of protein sequence and biophysical properties (such as structural, functional, and spatial information, amino acid conservation, physicochemical variation, residue mobility, and thermodynamic stability) indicates that this missense variant is not expected to disrupt CSF1R protein function with a negative predictive value of 95%. In summary, the available evidence is currently insufficient to determine the role of this variant in disease. Therefore, it has been classified as a Variant of Uncertain Significance.

NM_001288705.3(CSF1R):c.2854A>G (p.Thr952Ala)

Gene: CSF1R (colony stimulating factor 1 receptor; minus strand). Cytogenetic location: 5q32.
Variant type: single nucleotide variant.
Coding change: c.2854A>G on transcript NM_001288705.3 (MANE Select); coding-DNA position 2854, A replaced by G.
Protein change: p.Thr952Ala; replaces threonine 952 with alanine.
Molecular consequence: missense variant. On other transcripts: non-coding transcript variant (2).
Genome position (GRCh38, 1-based): chr5:150,054,134, T>C on the plus strand (A>G on the coding strand, the complement: CSF1R is on the minus strand). VCF-style: chr5-150054134-T-C. GRCh37 (hg19) VCF-style: chr5-149433697-T-C.
Other names: c.2854A>G, p.Thr952Ala (NM_001349736.2, NM_001375320.1, NM_005211.4); c.2410A>G, p.Thr804Ala (NM_001375321.1); short protein forms T804A, T952A.
Identifiers: ClinVar variation 4780876 (VCV004780876.1).